The following is an entry in ClinVar:

NM_001868.4(CPA1):c.146A>G (p.Gln49Arg)

Gene: CPA1 (carboxypeptidase A1; plus strand). Cytogenetic location: 7q32.2.
Variant type: single nucleotide variant.
Coding change: c.146A>G on transcript NM_001868.4 (MANE Select); coding-DNA position 146, A replaced by G.
Protein change: p.Gln49Arg; replaces glutamine 49 with arginine.
Molecular consequence: missense variant.
Genome position (GRCh38, 1-based): chr7:130,381,178, A>G. VCF-style: chr7-130381178-A-G. GRCh37 (hg19) VCF-style: chr7-130021019-A-G.
Other names: short protein forms Q49R.
Identifiers: ClinVar variation 1773319 (VCV001773319.2), dbSNP rs781860509, ClinGen allele CA4484686.
Genomic context (GRCh38, chr7:130,381,178, plus strand): 5'-CTGTAGCCGATGAGGCCCAGGTACAGAAGGTGAAGGAGCTGGAGGACCTGGAGCACCTGC[A>G]GGTCAGAAGAGGGGAGAAGGGCTCTCTGAGGCCCCAGGGTATCAGCTGGGGCCACCCCAG-3'
Protein context (NP_001859.1, residues 39-59): VKELEDLEHL[Gln49Arg]LDFWRGPAHP

ClinVar aggregate classification (germline): Uncertain significance (1 of 4 stars; one submission).

Conditions:
Hereditary pancreatitis (PCTT). Also called: Hereditary chronic pancreatitis; PRSS1-Related Hereditary Pancreatitis. Identifiers: Orphanet 676, MedGen C0238339, MONDO:0008185, OMIM 167800.

Allele frequency attached by ClinVar (database versions not stated): ExAC 0.00001; gnomAD 0.00001.
gnomAD v4.1: 1 of 1,610,936 alleles (0.000062%); highest among the groups gnomAD compares: Non-Finnish European, 0.000085%; no homozygotes.

Submission:

Ambry Genetics
Classification: Uncertain significance for Hereditary pancreatitis. Last evaluated: 2021-11-01. Review status: criteria provided, single submitter. Criteria: Ambry Variant Classification Scheme 2023. Collection method: clinical testing. Allele origin: germline.
Comment: The p.Q49R variant (also known as c.146A>G), located in coding exon 2 of the CPA1 gene, results from an A to G substitution at nucleotide position 146. The glutamine at codon 49 is replaced by arginine, an amino acid with highly similar properties. This amino acid position is conserved. In addition, this alteration is predicted to be tolerated by in silico analysis. Since supporting evidence is limited at this time, the clinical significance of this alteration remains unclear.